The following is an entry in ClinVar:

NM_000407.5(GP1BB):c.*11G>C

Genes: GP1BB (glycoprotein Ib platelet subunit beta; plus strand), SEPT5-GP1BB (SEPT5-GP1BB readthrough; plus strand). Cytogenetic location: 22q11.21.
Variant type: single nucleotide variant.
Coding change: c.*11G>C on transcript NM_000407.5 (MANE Select); 11 bases downstream of the stop codon, G replaced by C.
Molecular consequence: 3 prime UTR variant. On other transcripts: non-coding transcript variant (2).
Genome position (GRCh38, 1-based): chr22:19,724,475, G>C. VCF-style: chr22-19724475-G-C. GRCh37 (hg19) VCF-style: chr22-19711998-G-C.
Identifiers: ClinVar variation 2637614 (VCV002637614.2), dbSNP rs544996817, ClinGen allele CA322080224.
Genomic context (GRCh38, chr22:19,724,475, plus strand): 5'-CGCTGACCGACCCGCTGGTGGCCGAGCGAGCCGGAACCGACGAGTCCTGAGGAGAGAACC[G>C]GTGCGTCCTGAGGAGAGAACCGGCGCTGGGCAACACGGGCCTGCAAACTCGACAGGACCC-3'

ClinVar aggregate classification (germline): Conflicting classifications of pathogenicity. Review status: criteria provided, conflicting classifications (1 of 4 stars). 2 submissions from 2 submitters: Uncertain significance (1); Likely benign (1). Last evaluated 2024-11-26.

Allele frequency attached by ClinVar (database versions not stated): gnomAD 0.00088; 1000 Genomes Project 0.00100; TOPMed 0.00100.
gnomAD v4.1: 387 of 1,517,798 alleles (0.025%); highest among the groups gnomAD compares: African/African-American, 0.31%; 1 homozygote.

Submissions (2):

Blueprint Genetics
Classification: Likely benign. Last evaluated: 2024-11-26. Review status: criteria provided, single submitter. Criteria: ACMG Guidelines, 2015. Collection method: clinical testing. Allele origin: germline.

Women's Health and Genetics/Laboratory Corporation of America, LabCorp
Classification: Uncertain significance. Last evaluated: 2023-10-06. Review status: criteria provided, single submitter. Criteria: LabCorp Variant Classification Summary - May 2015. Collection method: clinical testing. Allele origin: germline.
Comment: Variant summary: GP1BB c.*11G>C is located in the untranslated mRNA region downstream of the termination codon. The variant allele was found at a frequency of 0.00034 in 145906 control chromosomes, predominantly at a frequency of 0.0029 within the African or African-American subpopulation in the gnomAD database, suggesting it may be a benign polymorphism found primarily within individuals of African ancestry. To our knowledge, no occurrence of c.*11G>C in individuals affected with Bernard Soulier Syndrome and no experimental evidence demonstrating its impact on protein function have been reported. No submitters have cited clinical-significance assessments for this variant to ClinVar after 2014. Based on the evidence outlined above, the variant was classified as VUS-possibly benign.